The following is an entry in ClinVar:

NM_080424.4(SP110):c.1115G>A (p.Arg372Gln)

Genes: SP110 (SP110 nuclear body protein; minus strand), SP140 (SP140 nuclear body protein; plus strand). Cytogenetic location: 2q37.1.
Variant type: single nucleotide variant.
Coding change: c.1115G>A on transcript NM_080424.4 (MANE Select); coding-DNA position 1115, G replaced by A.
Protein change: p.Arg372Gln; replaces arginine 372 with glutamine.
Molecular consequence: missense variant.
Genome position (GRCh38, 1-based): chr2:230,200,899, C>T on the plus strand (G>A on the coding strand, the complement: SP110 is on the minus strand). VCF-style: chr2-230200899-C-T. GRCh37 (hg19) VCF-style: chr2-231065615-C-T.
Other names: c.1133G>A, p.Arg378Gln (NM_001185015.2, NM_001378442.1, NM_001378444.1 and 2 more transcripts); c.1115G>A, p.Arg372Gln (NM_001378443.1, NM_004509.5, NM_004510.4); c.965G>A, p.Arg322Gln (NM_001378447.1); short protein forms R322Q, R372Q, R378Q.
Identifiers: ClinVar variation 1054649 (VCV001054649.7), dbSNP rs201394862, ClinGen allele CA2154623.

ClinVar aggregate classification (germline): Uncertain significance (1 of 4 stars; one submission).

Conditions:
Hepatic veno-occlusive disease-immunodeficiency syndrome. Also called: Hepatic Veno-Occlusive Disease with Immunodeficiency. Identifiers: Orphanet 79124, MedGen C1856128, MONDO:0009338, OMIM 235550. Disease mechanism: loss of function.

Allele frequency attached by ClinVar (database versions not stated): gnomAD exomes 0.00002 and 0.00003; gnomAD 0.00005; ExAC 0.00006; TOPMed 0.00006; ESP Exome Variant Server 0.00008.
gnomAD v4.1: 34 of 1,612,618 alleles (0.0021%); highest among the groups gnomAD compares: South Asian, 0.023%; no homozygotes.

Submission:

Labcorp Genetics (formerly Invitae), Labcorp
Classification: Uncertain significance for Hepatic veno-occlusive disease-immunodeficiency syndrome. Last evaluated: 2025-06-30. Review status: criteria provided, single submitter. Criteria: Invitae Variant Classification Sherloc (09022015). Collection method: clinical testing. Allele origin: germline.
Comment: This sequence change replaces arginine, which is basic and polar, with glutamine, which is neutral and polar, at codon 372 of the SP110 protein (p.Arg372Gln). This variant is present in population databases (rs201394862, gnomAD 0.02%). This variant has not been reported in the literature in individuals affected with SP110-related conditions. ClinVar contains an entry for this variant (Variation ID: 1054649). An algorithm developed to predict the effect of missense changes on protein structure and function (PolyPhen-2) suggests that this variant is likely to be tolerated. In summary, the available evidence is currently insufficient to determine the role of this variant in disease. Therefore, it has been classified as a Variant of Uncertain Significance.